The following is an entry in ClinVar:

NM_004385.5(VCAN):c.3785C>T (p.Thr1262Ile)

Gene: VCAN (versican; plus strand). Cytogenetic location: 5q14.3.
Variant type: single nucleotide variant.
Coding change: c.3785C>T on transcript NM_004385.5 (MANE Select); coding-DNA position 3785, C replaced by T.
Protein change: p.Thr1262Ile; replaces threonine 1262 with isoleucine.
Molecular consequence: missense variant. On other transcripts: intron variant (2).
Genome position (GRCh38, 1-based): chr5:83,522,091, C>T. VCF-style: chr5-83522091-C-T. GRCh37 (hg19) VCF-style: chr5-82817910-C-T.
Other names: c.3785C>T, p.Thr1262Ile (NM_001164098.2); c.1042+9695C>T (NM_001164097.2, NM_001126336.3); c.3785C>T (NM_004385.4); short protein forms T1262I.
Identifiers: ClinVar variation 1504512 (VCV001504512.9), dbSNP rs763152466, ClinGen allele CA3333059.

ClinVar aggregate classification (germline): Uncertain significance. Review status: criteria provided, multiple submitters, no conflicts (2 of 4 stars). 2 submissions from 2 submitters: Uncertain significance (2). Last evaluated 2024-03-01.

Conditions:
Inborn genetic diseases. Identifiers: MedGen C0950123, MeSH D030342.

Allele frequency attached by ClinVar (database versions not stated): gnomAD exomes below 0.00001; ExAC 0.00001; gnomAD 0.00002 and 0.00003; TOPMed 0.00002.
gnomAD v4.1: 5 of 1,614,064 alleles (0.00031%); highest among the groups gnomAD compares: African/African-American, 0.0053%; no homozygotes.

Submissions (2):

Ambry Genetics
Classification: Uncertain significance for Inborn genetic diseases. Last evaluated: 2024-03-01. Review status: criteria provided, single submitter. Criteria: Ambry Variant Classification Scheme 2023. Collection method: clinical testing. Allele origin: germline.

Labcorp Genetics (formerly Invitae), Labcorp
Classification: Uncertain significance. Last evaluated: 2024-02-24. Review status: criteria provided, single submitter. Criteria: Invitae Variant Classification Sherloc (09022015). Collection method: clinical testing. Allele origin: germline.
Comment: This sequence change replaces threonine, which is neutral and polar, with isoleucine, which is neutral and non-polar, at codon 1262 of the VCAN protein (p.Thr1262Ile). This variant is present in population databases (rs763152466, gnomAD 0.0009%). This variant has not been reported in the literature in individuals affected with VCAN-related conditions. ClinVar contains an entry for this variant (Variation ID: 1504512). Algorithms developed to predict the effect of missense changes on protein structure and function output the following: SIFT: "Not Available"; PolyPhen-2: "Benign"; Align-GVGD: "Not Available". The isoleucine amino acid residue is found in multiple mammalian species, which suggests that this missense change does not adversely affect protein function. In summary, the available evidence is currently insufficient to determine the role of this variant in disease. Therefore, it has been classified as a Variant of Uncertain Significance.